The following is an entry in ClinVar:

NM_015160.3(PMPCA):c.1262C>T (p.Thr421Met)

Gene: PMPCA (peptidase, mitochondrial processing subunit alpha; plus strand). Cytogenetic location: 9q34.3.
Variant type: single nucleotide variant.
Coding change: c.1262C>T on transcript NM_015160.3 (MANE Select); coding-DNA position 1262, C replaced by T.
Protein change: p.Thr421Met; replaces threonine 421 with methionine.
Molecular consequence: missense variant.
Genome position (GRCh38, 1-based): chr9:136,419,105, C>T. VCF-style: chr9-136419105-C-T. GRCh37 (hg19) VCF-style: chr9-139313557-C-T.
Other names: c.869C>T, p.Thr290Met (NM_001282944.2); c.962C>T, p.Thr321Met (NM_001282946.2); short protein forms T290M, T321M, T421M.
Identifiers: ClinVar variation 1412709 (VCV001412709.6), dbSNP rs201305421, ClinGen allele CA201626509.
Genomic context (GRCh38, chr9:136,419,105, plus strand): 5'-TTCGAGAAATGGTAGAAATCATCACAAAGGAGTTTATTTTAATGGGCGGAACCGTGGACA[C>T]GGTAAGTGCAGTGTGGCGCCATTTCCAGGCGTACCTGTGGTGTCTGACAGGAGACAGCCA-3'
Protein context (NP_055975.1, residues 411-431): EFILMGGTVD[Thr421Met]VELERAKTQL

ClinVar aggregate classification (germline): Uncertain significance (1 of 4 stars; one submission).

Allele frequency attached by ClinVar (database versions not stated): gnomAD 0.00002 and 0.00004; TOPMed 0.00003; gnomAD exomes 0.00004.
gnomAD v4.1: 74 of 1,612,668 alleles (0.0046%); highest among the groups gnomAD compares: Non-Finnish European, 0.0055%; no homozygotes.

Submission:

Labcorp Genetics (formerly Invitae), Labcorp
Classification: Uncertain significance. Last evaluated: 2025-09-25. Review status: criteria provided, single submitter. Criteria: Invitae Variant Classification Sherloc (09022015). Collection method: clinical testing. Allele origin: germline.
Comment: This sequence change replaces threonine, which is neutral and polar, with methionine, which is neutral and non-polar, at codon 421 of the PMPCA protein (p.Thr421Met). This variant is present in population databases (rs201305421, gnomAD 0.006%). This variant has not been reported in the literature in individuals affected with PMPCA-related conditions. ClinVar contains an entry for this variant (Variation ID: 1412709). An algorithm developed to predict the effect of missense changes on protein structure and function (PolyPhen-2) suggests that this variant is likely to be tolerated. In summary, the available evidence is currently insufficient to determine the role of this variant in disease. Therefore, it has been classified as a Variant of Uncertain Significance.